The following is an entry in ClinVar:

NC_000012.11:g.(?_56396006)_(56437938_?)del

Genes: IKZF4 (IKAROS family zinc finger 4; plus strand), RPS26 (ribosomal protein S26; plus strand), SUOX (sulfite oxidase; plus strand). Cytogenetic location: 12q13.2.
Variant type: Deletion.
Identifiers: ClinVar variation 2423490 (VCV002423490.3).

ClinVar aggregate classification (germline): Pathogenic (1 of 4 stars; one submission).

Conditions:
Diamond-Blackfan anemia 10 (DBA10). Also called: RPS26-Related Diamond-Blackfan Anemia. Identifiers: Orphanet 124, MedGen C2750080, MONDO:0013217, OMIM 613309.

Submission:

Labcorp Genetics (formerly Invitae), Labcorp
Classification: Pathogenic for Diamond-Blackfan anemia 10. Last evaluated: 2022-10-08. Review status: criteria provided, single submitter. Criteria: Invitae Variant Classification Sherloc (09022015). Collection method: clinical testing. Allele origin: germline.
Comment: For these reasons, this variant has been classified as Pathogenic. A similar copy number variant has been observed in individual(s) with Diamond-Blackfan anemia (PMID: 22045982, 22689679). A gross deletion of the genomic region encompassing the full coding sequence of the RPS26 gene has been identified. Loss-of-function variants in RPS26 are known to be pathogenic (PMID: 20116044, 23718193). The boundaries of this event are unknown as they extend beyond the assayed region for this gene and therefore may encompass additional genes.

Literature cited by the submitters: PubMed 22045982; PubMed 22689679; PubMed 20116044; PubMed 23718193.